The following is an entry in ClinVar:

NM_001080517.3(SETD5):c.4088dup (p.Ser1364fs)

Gene: SETD5 (SET domain containing 5; plus strand). Cytogenetic location: 3p25.3.
Variant type: Duplication.
Coding change: c.4088dup on transcript NM_001080517.3 (MANE Select); coding-DNA position 4088, one base duplicated (A; older notation c.4088dupA).
Protein change: p.Ser1364fs; shifts the reading frame from serine 1364.
Molecular consequence: frameshift variant.
Genome position (GRCh38, 1-based): chr3:9,475,850, A duplicated. VCF-style (leftmost placement, unchanged base first): chr3-9475849-C-CA. GRCh37 (hg19) VCF-style: chr3-9517533-C-CA.
Other names: c.3794dup, p.Ser1266fs (NM_001292043.2, NM_001349451.2); c.4184dup, p.Ser1396fs (NM_001437633.1); c.4202dup, p.Ser1402fs (NM_001437635.1); c.4145dup, p.Ser1383fs (NM_001437643.1); c.4127dup, p.Ser1377fs (NM_001437701.1); short protein forms S1266fs, S1364fs, S1377fs, S1383fs, S1396fs, S1402fs.
Identifiers: ClinVar variation 4864354 (VCV004864354.1).

ClinVar aggregate classification (germline): Uncertain significance (1 of 4 stars; one submission).

Conditions:
Inborn genetic diseases. Identifiers: MedGen C0950123, MeSH D030342.

Submission:

Ambry Genetics
Classification: Uncertain significance for Inborn genetic diseases. Last evaluated: 2026-05-12. Review status: criteria provided, single submitter. Criteria: Ambry Variant Classification Scheme 2023. Collection method: clinical testing. Allele origin: germline.
Comment: The c.4088dupA (p.S1364Vfs*16) alteration, located in exon 23 (coding exon 21) of the SETD5 gene, consists of a duplication of A at position 4088, causing a translational frameshift with a predicted alternate stop codon after 16 amino acids. This variant is not expected to trigger nonsense-mediated mRNA decay, and impacts the last 5.5% of the protein. The exact functional effect of this variant is unknown. This variant was not reported in population-based cohorts in the Genome Aggregation Database (gnomAD). Based on insufficient or conflicting evidence, the clinical significance of this alteration remains unclear.